The following is an entry in ClinVar:

NM_017802.4(DNAAF5):c.1802C>G (p.Ala601Gly)

Gene: DNAAF5 (dynein axonemal assembly factor 5; plus strand). Cytogenetic location: 7p22.3.
Variant type: single nucleotide variant.
Coding change: c.1802C>G on transcript NM_017802.4 (MANE Select); coding-DNA position 1802, C replaced by G.
Protein change: p.Ala601Gly; replaces alanine 601 with glycine.
Molecular consequence: missense variant. On other transcripts: non-coding transcript variant (1).
Genome position (GRCh38, 1-based): chr7:770,489, C>G. VCF-style: chr7-770489-C-G. GRCh37 (hg19) VCF-style: chr7-810126-C-G.
Other names: short protein forms A601G.
Identifiers: ClinVar variation 454855 (VCV000454855.5), dbSNP rs745537484, ClinGen allele CA4110936.
Genomic context (GRCh38, chr7:770,489, plus strand): 5'-CTCCTGAGGGCCGTGCACAGGAGCCTCTGTTGTGTCTTACAGGCCCTGCCCTGGGAGAAG[C>G]CCTGCCACACGTCGTGCCCACGCTGAGGGCCTGTCTGCAGCCCTCCCAAGACCCGCAGAT-3'
Protein context (NP_060272.3, residues 591-611): VAQSGPALGE[Ala601Gly]LPHVVPTLRA

ClinVar aggregate classification (germline): Uncertain significance. Review status: criteria provided, multiple submitters, no conflicts (2 of 4 stars). 2 submissions from 2 submitters: Uncertain significance (2). Last evaluated 2025-08-27.

Conditions:
Primary ciliary dyskinesia. Also called: Ciliary dyskinesia. Identifiers: Orphanet 244, MedGen C0008780, MONDO:0016575, HP:0012265.

Allele frequency attached by ClinVar (database versions not stated): ExAC 0.00001; gnomAD 0.00001; gnomAD exomes 0.00001 and 0.00002; TOPMed 0.00002.
gnomAD v4.1: 15 of 1,613,412 alleles (0.00093%); highest among the groups gnomAD compares: Admixed American, 0.012%; no homozygotes.

Submissions (2):

Ambry Genetics
Classification: Uncertain significance for Primary ciliary dyskinesia. Last evaluated: 2025-08-27. Review status: criteria provided, single submitter. Criteria: Ambry Variant Classification Scheme 2023. Collection method: clinical testing. Allele origin: germline.

Labcorp Genetics (formerly Invitae), Labcorp
Classification: Uncertain significance for Primary ciliary dyskinesia. Last evaluated: 2017-07-11. Review status: criteria provided, single submitter. Criteria: Invitae Variant Classification Sherloc (09022015). Collection method: clinical testing. Allele origin: germline.
Comment: This sequence change replaces alanine with glycine at codon 601 of the DNAAF5 protein (p.Ala601Gly). The alanine residue is moderately conserved and there is a small physicochemical difference between alanine and glycine. This variant is present in population databases (rs745537484, ExAC 0.009%). This variant has not been reported in the literature in individuals with DNAAF5-related disease. Algorithms developed to predict the effect of missense changes on protein structure and function (SIFT, PolyPhen-2, Align-GVGD) all suggest that this variant is likely to be tolerated, but these predictions have not been confirmed by published functional studies and their clinical significance is uncertain. In summary, the available evidence is currently insufficient to determine the role of this variant in disease. Therefore, it has been classified as a Variant of Uncertain Significance.